The following is an entry in ClinVar:

ClinVar aggregate classification (germline): Uncertain significance (1 of 4 stars; one submission).

gnomAD v4.1: 5 of 1,588,038 alleles (0.00031%); highest among the groups gnomAD compares: Non-Finnish European, 0.00043%; no homozygotes.

Submission:

Labcorp Genetics (formerly Invitae), Labcorp
Classification: Uncertain significance. Last evaluated: 2024-11-02. Review status: criteria provided, single submitter. Criteria: Invitae Variant Classification Sherloc (09022015). Collection method: clinical testing. Allele origin: germline.
Comment: This sequence change replaces alanine, which is neutral and non-polar, with serine, which is neutral and polar, at codon 4 of the CSF2RB protein (p.Ala4Ser). This variant is not present in population databases (gnomAD no frequency). This variant has not been reported in the literature in individuals affected with CSF2RB-related conditions. An algorithm developed to predict the effect of missense changes on protein structure and function (PolyPhen-2) suggests that this variant is likely to be tolerated. In summary, the available evidence is currently insufficient to determine the role of this variant in disease. Therefore, it has been classified as a Variant of Uncertain Significance.

NM_000395.3(CSF2RB):c.10G>T (p.Ala4Ser)

Gene: CSF2RB (colony stimulating factor 2 receptor subunit beta; plus strand). Cytogenetic location: 22q12.3.
Variant type: single nucleotide variant.
Coding change: c.10G>T on transcript NM_000395.3 (MANE Select); coding-DNA position 10, G replaced by T.
Protein change: p.Ala4Ser; replaces alanine 4 with serine.
Molecular consequence: missense variant.
Genome position (GRCh38, 1-based): chr22:36,922,217, G>T. VCF-style: chr22-36922217-G-T. GRCh37 (hg19) VCF-style: chr22-37318259-G-T.
Other names: c.10G>T, p.Ala4Ser (NM_001410827.1); short protein forms A4S.
Identifiers: ClinVar variation 3672178 (VCV003672178.2).